The following is an entry in ClinVar:

ClinVar aggregate classification (germline): Likely benign. Review status: criteria provided, multiple submitters, no conflicts (2 of 4 stars). 3 submissions from 3 submitters: Likely benign (2). 1 of the submissions does not count toward it. Last evaluated 2025-07-02.

Conditions:
TENM3-related disorder. Also called: TENM3-related condition.

Allele frequency attached by ClinVar (database versions not stated): ESP Exome Variant Server 0.00016; 1000 Genomes Project 0.00020; 1000 Genomes Project 30x 0.00031.
gnomAD v4.1: 309 of 1,613,106 alleles (0.019%); highest among the groups gnomAD compares: Non-Finnish European, 0.024%; no homozygotes.

Submissions (3):

Labcorp Genetics (formerly Invitae), Labcorp
Classification: Likely benign. Last evaluated: 2025-07-02. Review status: criteria provided, single submitter. Criteria: Invitae Variant Classification Sherloc (09022015). Collection method: clinical testing. Allele origin: germline.

CeGaT Center for Human Genetics Tuebingen
Classification: Likely benign. Last evaluated: 2024-09-01. Review status: criteria provided, single submitter. Criteria: CeGaT Center For Human Genetics Tuebingen Variant Classification Criteria Version 2. Collection method: clinical testing. Allele origin: germline. Affected: yes. Observed: 1 variant allele.
Comment: TENM3: BP4, BP7

PreventionGenetics, part of Exact Sciences
Classification: Likely benign for TENM3-related condition. Last evaluated: 2019-08-28. Review status: no assertion criteria provided. Collection method: clinical testing. Allele origin: germline. Not counted in ClinVar's aggregate classification.
Comment: This variant is classified as likely benign based on ACMG/AMP sequence variant interpretation guidelines (Richards et al. 2015 PMID: 25741868, with internal and published modifications).

NM_001080477.4(TENM3):c.5409G>A (p.Thr1803=)

Gene: TENM3 (teneurin transmembrane protein 3; plus strand). Cytogenetic location: 4q35.1.
Variant type: single nucleotide variant.
Coding change: c.5409G>A on transcript NM_001080477.4 (MANE Select); coding-DNA position 5409, G replaced by A.
Protein change: p.Thr1803=; no amino-acid change (threonine 1803 retained).
Molecular consequence: synonymous variant.
Genome position (GRCh38, 1-based): chr4:182,789,197, G>A. VCF-style: chr4-182789197-G-A. GRCh37 (hg19) VCF-style: chr4-183710350-G-A.
Other names: c.5427G>A, p.Thr1809= (NM_001415968.1); c.5430G>A, p.Thr1810= (NM_001415969.1, NM_001415970.1); c.5409G>A, p.Thr1803= (NM_001415971.1, NM_001415973.1); c.5406G>A, p.Thr1802= (NM_001415974.1, NM_001415975.1); c.5130G>A, p.Thr1710= (NM_001415976.1, NM_001415977.1); c.5127G>A, p.Thr1709= (NM_001415966.1); c.5151G>A, p.Thr1717= (NM_001415967.1); c.4641G>A, p.Thr1547= (NM_001415960.1); and 4 more.
Identifiers: ClinVar variation 3053502 (VCV003053502.17), dbSNP rs372287883, ClinGen allele CA3148627.